The following is an entry in ClinVar:

NM_201550.4(LRRC10):c.19G>A (p.Ala7Thr)

Gene: LRRC10 (leucine rich repeat containing 10; minus strand). Cytogenetic location: 12q15.
Variant type: single nucleotide variant.
Coding change: c.19G>A on transcript NM_201550.4 (MANE Select); coding-DNA position 19, G replaced by A.
Protein change: p.Ala7Thr; replaces alanine 7 with threonine.
Molecular consequence: missense variant.
Genome position (GRCh38, 1-based): chr12:69,610,820, C>T on the plus strand (G>A on the coding strand, the complement: LRRC10 is on the minus strand). VCF-style: chr12-69610820-C-T. GRCh37 (hg19) VCF-style: chr12-70004600-C-T.
Other names: short protein forms A7T.
Identifiers: ClinVar variation 3539792 (VCV003539792.2).

ClinVar aggregate classification (germline): Uncertain significance. Review status: criteria provided, multiple submitters, no conflicts (2 of 4 stars). 2 submissions from 2 submitters: Uncertain significance (2). Last evaluated 2026-01-26.

Submissions (2):

Labcorp Genetics (formerly Invitae), Labcorp
Classification: Uncertain significance. Last evaluated: 2026-01-26. Review status: criteria provided, single submitter. Criteria: Invitae Variant Classification Sherloc (09022015). Collection method: clinical testing. Allele origin: germline.
Comment: This sequence change replaces alanine, which is neutral and non-polar, with threonine, which is neutral and polar, at codon 7 of the LRRC10 protein (p.Ala7Thr). This variant is not present in population databases (gnomAD no frequency). This variant has not been reported in the literature in individuals affected with LRRC10-related conditions. ClinVar contains an entry for this variant (Variation ID: 3539792). An algorithm developed to predict the effect of missense changes on protein structure and function outputs the following: PolyPhen-2: "Benign". The threonine amino acid residue is found in multiple mammalian species, which suggests that this missense change does not adversely affect protein function. In summary, the available evidence is currently insufficient to determine the role of this variant in disease. Therefore, it has been classified as a Variant of Uncertain Significance.

Ambry Genetics
Classification: Uncertain significance. Last evaluated: 2024-10-29. Review status: criteria provided, single submitter. Criteria: Ambry Variant Classification Scheme 2023. Collection method: clinical testing. Allele origin: germline.